The following is an entry in ClinVar:

NM_014795.4(ZEB2):c.1868A>G (p.Asn623Ser)

Gene: ZEB2 (zinc finger E-box binding homeobox 2; minus strand). Cytogenetic location: 2q22.3.
Variant type: single nucleotide variant.
Coding change: c.1868A>G on transcript NM_014795.4 (MANE Select); coding-DNA position 1868, A replaced by G.
Protein change: p.Asn623Ser; replaces asparagine 623 with serine.
Molecular consequence: missense variant.
Genome position (GRCh38, 1-based): chr2:144,399,319, T>C on the plus strand (A>G on the coding strand, the complement: ZEB2 is on the minus strand). VCF-style: chr2-144399319-T-C. GRCh37 (hg19) VCF-style: chr2-145156886-T-C.
Other names: c.1796A>G, p.Asn599Ser (NM_001171653.2); short protein forms N599S, N623S.
Identifiers: ClinVar variation 2991664 (VCV002991664.3), dbSNP rs1192746481, ClinGen allele CA348709924.

ClinVar aggregate classification (germline): Uncertain significance (1 of 4 stars; one submission).

Conditions:
Mowat-Wilson syndrome (MOWS). Also called: Classic Mowat-Wilson Syndrome. Identifiers: Orphanet 2152, MedGen C1856113, MONDO:0009341, OMIM 235730.

Allele frequency attached by ClinVar (database versions not stated): gnomAD 0.00002.
gnomAD v4.1: 3 of 1,613,988 alleles (0.00019%); highest among the groups gnomAD compares: African/African-American, 0.004%; no homozygotes.

Submission:

Labcorp Genetics (formerly Invitae), Labcorp
Classification: Uncertain significance for Mowat-Wilson syndrome. Last evaluated: 2022-12-20. Review status: criteria provided, single submitter. Criteria: Invitae Variant Classification Sherloc (09022015). Collection method: clinical testing. Allele origin: germline.
Comment: This variant is present in population databases (no rsID available, gnomAD 0.02%). In summary, the available evidence is currently insufficient to determine the role of this variant in disease. Therefore, it has been classified as a Variant of Uncertain Significance. Advanced modeling of protein sequence and biophysical properties (such as structural, functional, and spatial information, amino acid conservation, physicochemical variation, residue mobility, and thermodynamic stability) performed at Invitae indicates that this missense variant is not expected to disrupt ZEB2 protein function. This variant has not been reported in the literature in individuals affected with ZEB2-related conditions. This sequence change replaces asparagine, which is neutral and polar, with serine, which is neutral and polar, at codon 623 of the ZEB2 protein (p.Asn623Ser).